The following is an entry in ClinVar:

ClinVar aggregate classification (germline): Conflicting classifications of pathogenicity. Review status: criteria provided, conflicting classifications (1 of 4 stars). 2 submissions from 2 submitters: Uncertain significance (1); Likely benign (1). Last evaluated 2025-09-02.

Conditions:
Inborn genetic diseases. Identifiers: MedGen C0950123, MeSH D030342.

Allele frequency attached by ClinVar (database versions not stated): ExAC 0.00003; gnomAD exomes 0.00006; ESP Exome Variant Server 0.00008; gnomAD 0.00008 and 0.00009; TOPMed 0.00012.
gnomAD v4.1: 108 of 1,614,070 alleles (0.0067%); highest among the groups gnomAD compares: African/African-American, 0.025%; no homozygotes.

Submissions (2):

Labcorp Genetics (formerly Invitae), Labcorp
Classification: Uncertain significance. Last evaluated: 2025-09-02. Review status: criteria provided, single submitter. Criteria: Invitae Variant Classification Sherloc (09022015). Collection method: clinical testing. Allele origin: germline.
Comment: This sequence change replaces arginine, which is basic and polar, with glutamine, which is neutral and polar, at codon 836 of the CSF2RB protein (p.Arg836Gln). This variant is present in population databases (rs140436564, gnomAD 0.03%). This variant has not been reported in the literature in individuals affected with CSF2RB-related conditions. ClinVar contains an entry for this variant (Variation ID: 1470073). Invitae Evidence Modeling of protein sequence and biophysical properties (such as structural, functional, and spatial information, amino acid conservation, physicochemical variation, residue mobility, and thermodynamic stability) indicates that this missense variant is not expected to disrupt CSF2RB protein function with a negative predictive value of 80%. In summary, the available evidence is currently insufficient to determine the role of this variant in disease. Therefore, it has been classified as a Variant of Uncertain Significance.

Ambry Genetics
Classification: Likely benign for Inborn genetic diseases. Last evaluated: 2025-03-22. Review status: criteria provided, single submitter. Criteria: Ambry Variant Classification Scheme 2023. Collection method: clinical testing. Allele origin: germline.

NM_000395.3(CSF2RB):c.2507G>A (p.Arg836Gln)

Gene: CSF2RB (colony stimulating factor 2 receptor subunit beta; plus strand). Cytogenetic location: 22q12.3.
Variant type: single nucleotide variant.
Coding change: c.2507G>A on transcript NM_000395.3 (MANE Select); coding-DNA position 2507, G replaced by A.
Protein change: p.Arg836Gln; replaces arginine 836 with glutamine.
Molecular consequence: missense variant.
Genome position (GRCh38, 1-based): chr22:36,938,315, G>A. VCF-style: chr22-36938315-G-A. GRCh37 (hg19) VCF-style: chr22-37334357-G-A.
Other names: c.2507G>A (NM_000395.2); short protein forms R836Q.
Identifiers: ClinVar variation 1470073 (VCV001470073.9), dbSNP rs140436564, ClinGen allele CA10214144.